The following is an entry in ClinVar:

NM_001081.4(CUBN):c.5049G>C (p.Leu1683Phe)

Gene: CUBN (cubilin; minus strand). Cytogenetic location: 10p13.
Variant type: single nucleotide variant.
Coding change: c.5049G>C on transcript NM_001081.4 (MANE Select); coding-DNA position 5049, G replaced by C.
Protein change: p.Leu1683Phe; replaces leucine 1683 with phenylalanine.
Molecular consequence: missense variant.
Genome position (GRCh38, 1-based): chr10:16,950,032, C>G on the plus strand (G>C on the coding strand, the complement: CUBN is on the minus strand). VCF-style: chr10-16950032-C-G. GRCh37 (hg19) VCF-style: chr10-16992031-C-G.
Other names: short protein forms L1683F.
Identifiers: ClinVar variation 5043401 (VCV005043401.1).

ClinVar aggregate classification (germline): Uncertain significance (1 of 4 stars; one submission).

Conditions:
Imerslund-Grasbeck syndrome type 1 (IGS1). Also called: Megaloblastic anemia 1, Finnish type; MEGALOBLASTIC ANEMIA, 1; Imerslund-Gräsbeck syndrome 1. Identifiers: MedGen C4016819, MONDO:0100156, OMIM 261100.

gnomAD v4.1: 61 of 1,613,898 alleles (0.0038%); highest among the groups gnomAD compares: African/African-American, 0.064%; no homozygotes.

Submission:

St. Jude Molecular Pathology, St. Jude Children's Research Hospital
Classification: Uncertain significance for Imerslund-Grasbeck syndrome type 1. Last evaluated: 2026-10-01. Review status: criteria provided, single submitter. Criteria: St. Jude Assertion Criteria 2020. Collection method: clinical testing. Allele origin: germline.
Comment: The CUBN c.5049G>C p.(Leu1683Phe) missense change has a maximum sub population frequency of 0.08% in gnomAD v2.1.1. The in silico tool REVEL predicts a benign effect on protein function, but to our knowledge this prediction has not been confirmed by functional studies. To our knowledg e, this variant has not been reported in individuals with Imerslund-Grasbeck syndrome. In summary, the evidence currently available is insufficient to determine the clinical significance of this variant. It has therefore been classified as of uncertain significance.